The following is an entry in ClinVar:

ClinVar aggregate classification (germline): Uncertain significance (1 of 4 stars; one submission).

Conditions:
Retinitis pigmentosa 38 (RP38). Also called: ROD-CONE DYSTROPHY, CHILDHOOD-ONSET. Identifiers: Orphanet 791, MedGen C3151228, MONDO:0013469, OMIM 613862.

Submission:

Juno Genomics, Hangzhou Juno Genomics, Inc
Classification: Uncertain significance for Retinitis pigmentosa 38. Review status: criteria provided, single submitter. Criteria: ACMG Guidelines, 2015. Collection method: clinical testing. Allele origin: germline. Affected: yes.
Comment: Absent from controls (or at extremely low frequency if recessive) in Genome Aggregation Database, Exome Sequencing Project, 1000 Genomes Project, or Exome Aggregation Consortium.;For recessive disorders, detected in trans with a pathogenic variant.;Patient's phenotype or family history is highly specific for a disease with a single genetic etiology.

NM_006343.3(MERTK):c.590C>T (p.Pro197Leu)

Gene: MERTK (MER proto-oncogene, tyrosine kinase; plus strand). Cytogenetic location: 2q13.
Variant type: single nucleotide variant.
Coding change: c.590C>T on transcript NM_006343.3 (MANE Select); coding-DNA position 590, C replaced by T.
Protein change: p.Pro197Leu; replaces proline 197 with leucine.
Molecular consequence: missense variant.
Genome position (GRCh38, 1-based): chr2:111,947,400, C>T. VCF-style: chr2-111947400-C-T. GRCh37 (hg19) VCF-style: chr2-112704977-C-T.
Other names: short protein forms P197L.
Identifiers: ClinVar variation 3382155 (VCV003382155.2).